The following is an entry in ClinVar:

NM_007294.4(BRCA1):c.5202del (p.Phe1734fs)

Gene: BRCA1 (BRCA1 DNA repair associated; minus strand). Cytogenetic location: 17q21.31.
Variant type: Deletion.
Coding change: c.5202del on transcript NM_007294.4 (MANE Select); coding-DNA position 5202, one base deleted (T; older notation c.5202delT).
Protein change: p.Phe1734fs; shifts the reading frame from phenylalanine 1734.
Molecular consequence: frameshift variant. On other transcripts: non-coding transcript variant (1).
Genome position (GRCh38, 1-based): chr17:43,057,127, A deleted on the plus strand (T on the coding strand, the reverse complement: BRCA1 is on the minus strand); the first of 4 consecutive A bases (chr17:43,057,127-43,057,130); deleting any one gives the same sequence. VCF-style (leftmost placement, unchanged base first): chr17-43057126-CA-C. GRCh37 (hg19) VCF-style: chr17-41209143-CA-C.
Other names: c.5202delT (NM_007294.3); c.5196delT, p.Phe1733Leufs (NM_001407625.1, NM_001407626.1, NM_001407858.1 and 17 more transcripts); c.5193delT, p.Phe1732Leufs (NM_001407627.1, NM_001407628.1, NM_001407629.1 and 14 more transcripts); c.5190delT, p.Phe1731Leufs (NM_001407644.1, NM_001407645.1); c.5187delT, p.Phe1730Leufs (NM_001407646.1); c.5184delT, p.Phe1729Leufs (NM_001407647.1); c.5142delT, p.Phe1715Leufs (NM_001407648.1); c.5139delT, p.Phe1714Leufs (NM_001407649.1); and 76 more; short protein forms F630fs, F1687fs, F1755fs, F1734fs.
Identifiers: ClinVar variation 232606 (VCV000232606.16), dbSNP rs876659867, ClinGen allele CA10580494.

ClinVar aggregate classification (germline): Pathogenic. Review status: reviewed by expert panel (3 of 4 stars). 3 submissions from 3 submitters: Pathogenic (1). 2 of the submissions do not count toward it. Last evaluated 2017-12-15.

Conditions:
Hereditary breast ovarian cancer syndrome. Also called: Breast and ovarian cancer; Hereditary breast and ovarian cancer; Hereditary breast and ovarian cancer syndrome; Hereditary breast and/or ovarian cancer syndrome; BRCA1- and BRCA2-Associated Hereditary Breast and Ovarian Cancer; Hereditary breast and ovarian cancer syndrome (HBOC). Identifiers: Orphanet 145, MedGen C0677776, MeSH D061325, MONDO:0003582. Disease mechanism: loss of function.
Breast-ovarian cancer, familial, susceptibility to, 1 (BROVCA1). Also called: BRCA1 Hereditary Breast and Ovarian Cancer; OVARIAN CANCER, SUSCEPTIBILITY TO. Identifiers: Orphanet 145, MedGen C2676676, MONDO:0011450, OMIM 604370. Disease mechanism: loss of function.
Hereditary cancer-predisposing syndrome. Also called: Tumor predisposition; Hereditary Cancer Syndrome; Neoplastic Syndromes, Hereditary; Hereditary neoplastic syndrome. Identifiers: Orphanet 140162, MedGen C0027672, MeSH D009386, MONDO:0015356.

Submissions (3):

Evidence-based Network for the Interpretation of Germline Mutant Alleles (ENIGMA)
Classification: Pathogenic for Breast-ovarian cancer, familial, susceptibility to, 1. Last evaluated: 2017-12-15. Review status: reviewed by expert panel. Criteria: ENIGMA BRCA1/2 Classification Criteria (2017-06-29). Collection method: curation. Allele origin: germline. Study: ENIGMA.
Comment: Variant allele predicted to encode a truncated non-functional protein.

Ambry Genetics
Classification: Pathogenic for Hereditary cancer-predisposing syndrome. Last evaluated: 2026-01-12. Review status: criteria provided, single submitter. Criteria: Ambry Variant Classification Scheme 2023. Collection method: clinical testing. Allele origin: germline. Not counted in ClinVar's aggregate classification.
Comment: The c.5202delT pathogenic mutation, located in coding exon 18 of the BRCA1 gene, results from a deletion of one nucleotide at nucleotide position 5202, causing a translational frameshift with a predicted alternate stop codon (p.F1734Lfs*31). This variant is considered to be rare based on population cohorts in the Genome Aggregation Database (gnomAD). This alteration is expected to result in loss of function by premature protein truncation or nonsense-mediated mRNA decay. As such, this alteration is interpreted as a disease-causing mutation.

Labcorp Genetics (formerly Invitae), Labcorp
Classification: Pathogenic for Hereditary breast ovarian cancer syndrome. Last evaluated: 2022-12-02. Review status: criteria provided, single submitter. Criteria: Invitae Variant Classification Sherloc (09022015). Collection method: clinical testing. Allele origin: germline. Not counted in ClinVar's aggregate classification.
Comment: For these reasons, this variant has been classified as Pathogenic. ClinVar contains an entry for this variant (Variation ID: 232606). This premature translational stop signal has been observed in individual(s) with a personal or family history of breast and/or ovarian cancer (PMID: 29752822, 30982232). This variant is not present in population databases (gnomAD no frequency). This sequence change creates a premature translational stop signal (p.Phe1734Leufs*31) in the BRCA1 gene. It is expected to result in an absent or disrupted protein product. Loss-of-function variants in BRCA1 are known to be pathogenic (PMID: 20104584).

Literature cited by the submitters: PubMed 29752822 (cited by Labcorp Genetics (formerly Invitae), Labcorp); PubMed 30982232 (cited by Labcorp Genetics (formerly Invitae), Labcorp); PubMed 20104584 (cited by Labcorp Genetics (formerly Invitae), Labcorp).